The following is an entry in ClinVar:

NM_000548.5(TSC2):c.5065_5068+7dup

Gene: TSC2 (TSC complex subunit 2; plus strand). Cytogenetic location: 16p13.3.
Variant type: Duplication.
Coding change: c.5065_5068+7dup on transcript NM_000548.5 (MANE Select); coding-DNA position 5065 through 7 bases into the intron after coding-DNA position 5068, 11 bases duplicated (AAAGGTAGGGC).
Molecular consequence: splice donor variant.
Genome position (GRCh38, 1-based): chr16:2,087,938-2,087,948, AAAGGTAGGGC duplicated. VCF-style (leftmost placement, unchanged base first): chr16-2087937-G-GAAAGGTAGGGC. GRCh37 (hg19) VCF-style: chr16-2137938-G-GAAAGGTAGGGC.
Other names: c.5065_5068+7dupAAAGGTAGGGC (NM_000548.3); c.4996_4999+7dup (NM_001114382.3); c.4936_4939+7dup (NM_021055.3, NM_001370405.1); c.4867_4870+7dup (NM_001363528.2); c.4933_4936+7dup (NM_001370404.1); c.4864_4867+7dup (NM_001077183.3); c.4756_4759+7dup (NM_001318827.2); c.4333_4336+7dup (NM_001318831.2); and 2 more.
Identifiers: ClinVar variation 1000517 (VCV001000517.9), dbSNP rs2091058869, ClinGen allele CA2202029525.

ClinVar aggregate classification (germline): Conflicting classifications of pathogenicity. Review status: criteria provided, conflicting classifications (1 of 4 stars). 2 submissions from 2 submitters: Uncertain significance (1); Likely benign (1). Last evaluated 2025-03-13.

Conditions:
Hereditary cancer-predisposing syndrome. Also called: Hereditary neoplastic syndrome; Neoplastic Syndromes, Hereditary; Tumor predisposition; Hereditary Cancer Syndrome. Identifiers: Orphanet 140162, MedGen C0027672, MeSH D009386, MONDO:0015356.
Tuberous sclerosis 2 (TSC2). Identifiers: Orphanet 805, MedGen C1860707, MONDO:0013199, OMIM 613254.

Submissions (2):

Ambry Genetics
Classification: Uncertain significance for Hereditary cancer-predisposing syndrome. Last evaluated: 2025-03-13. Review status: criteria provided, single submitter. Criteria: Ambry Variant Classification Scheme 2023. Collection method: clinical testing. Allele origin: germline.
Comment: The c.5065_5068+7dup11 variant results from a duplication of 11 nucleotides between positions c.5065 and c.5068+7 and involves the canonical splice donor site after coding exon 38 of the TSC2 gene. In silico splice site analysis predicts that this alteration may weaken the native splice donor site and will result in the creation or strengthening of a novel splice donor site; however, the exact impact of this duplication on TSC2 splicing and function is currently unknown. The canonical splice donor site is highly conserved in available vertebrate species. Based on the available evidence, the clinical significance of this variant remains unclear.

Labcorp Genetics (formerly Invitae), Labcorp
Classification: Likely benign for Tuberous sclerosis 2. Last evaluated: 2023-08-04. Review status: criteria provided, single submitter. Criteria: Invitae Variant Classification Sherloc (09022015). Collection method: clinical testing. Allele origin: germline.